The following is an entry in ClinVar:

ClinVar aggregate classification (germline): Uncertain significance (1 of 4 stars; one submission).

Conditions:
Familial episodic pain syndrome with predominantly lower limb involvement. Also called: Episodic pain syndrome, familial, 3. Identifiers: Orphanet 391384, Orphanet 391392, MedGen C3809899, MONDO:0014247, OMIM 615552.
Hereditary sensory and autonomic neuropathy type 7. Also called: HSAN VII; Neuropathy, hereditary sensory and autonomic, type VII. Identifiers: Orphanet 391397, MedGen C3809882, MONDO:0014244, OMIM 615548.

Submission:

Labcorp Genetics (formerly Invitae), Labcorp
Classification: Uncertain significance for Familial episodic pain syndrome with predominantly lower limb involvement; Hereditary sensory and autonomic neuropathy type 7. Last evaluated: 2018-09-20. Review status: criteria provided, single submitter. Criteria: Invitae Variant Classification Sherloc (09022015). Collection method: clinical testing. Allele origin: germline.
Comment: In summary, the available evidence is currently insufficient to determine the role of this variant in disease. Therefore, it has been classified as a Variant of Uncertain Significance. The current clinical and genetic evidence is not sufficient to establish whether loss-of-function variants in SCN11A cause disease. This variant has not been reported in the literature in individuals with SCN11A-related disease. This variant is not present in population databases (ExAC no frequency). This sequence change creates a premature translational stop signal (p.Phe172Leufs*4) in the SCN11A gene. It is expected to result in an absent or disrupted protein product.

NM_001349253.2(SCN11A):c.516del (p.Phe172fs)

Gene: SCN11A (sodium voltage-gated channel alpha subunit 11; minus strand). Cytogenetic location: 3p22.2.
Variant type: Deletion.
Coding change: c.516del on transcript NM_001349253.2 (MANE Select); coding-DNA position 516, one base deleted (T; older notation c.516delT).
Protein change: p.Phe172fs; shifts the reading frame from phenylalanine 172.
Molecular consequence: frameshift variant.
Genome position (GRCh38, 1-based): chr3:38,926,904, A deleted on the plus strand (T on the coding strand, the reverse complement: SCN11A is on the minus strand); the first of 5 consecutive A bases (chr3:38,926,904-38,926,908); deleting any one gives the same sequence. VCF-style (leftmost placement, unchanged base first): chr3-38926903-CA-C. GRCh37 (hg19) VCF-style: chr3-38968394-CA-C.
Other names: c.516del, p.Phe172fs (NM_014139.3); c.516delT (NM_014139.2); short protein forms F172fs.
Identifiers: ClinVar variation 655192 (VCV000655192.4), dbSNP rs1575301323, ClinGen allele CA915941896.
Genomic context (GRCh38, chr3:38,926,903, plus strand): 5'-CTCGAAGGAAAGAAAACTCATCCAGAATGAAACCTCTTGCCAATATTTTAATCAAAGCTT[CA>C]AAAATATAAATCCCAGTGAAGACACACCTAAAAAGCAAATCATTTACAACAGGAAGAAAC-3'